The following is an entry in ClinVar:

ClinVar aggregate classification (germline): Uncertain significance (1 of 4 stars; one submission).

Conditions:
Hereditary spastic paraplegia 3A (SPG3A). Also called: Spastic paraplegia 3A, autosomal dominant; SPASTIC PARAPLEGIA 3, AUTOSOMAL DOMINANT; FAMILIAL SPASTIC PARAPLEGIA, AUTOSOMAL DOMINANT, 1; SPG3; STRUMPELL DISEASE; Spastic Paraplegia 3A. Identifiers: Orphanet 100984, MedGen C2931355, MONDO:0008437, OMIM 182600.

gnomAD v4.1: 14 of 1,613,588 alleles (0.00087%); highest among the groups gnomAD compares: Non-Finnish European, 0.0012%; no homozygotes.

Submission:

Labcorp Genetics (formerly Invitae), Labcorp
Classification: Uncertain significance for Hereditary spastic paraplegia 3A. Last evaluated: 2024-04-16. Review status: criteria provided, single submitter. Criteria: Invitae Variant Classification Sherloc (09022015). Collection method: clinical testing. Allele origin: germline.
Comment: This sequence change replaces lysine, which is basic and polar, with arginine, which is basic and polar, at codon 546 of the ATL1 protein (p.Lys546Arg). This variant is not present in population databases (gnomAD no frequency). This variant has not been reported in the literature in individuals affected with ATL1-related conditions. Advanced modeling of protein sequence and biophysical properties (such as structural, functional, and spatial information, amino acid conservation, physicochemical variation, residue mobility, and thermodynamic stability) performed at Invitae indicates that this missense variant is not expected to disrupt ATL1 protein function with a negative predictive value of 95%. Algorithms developed to predict the effect of sequence changes on RNA splicing suggest that this variant may create or strengthen a splice site. In summary, the available evidence is currently insufficient to determine the role of this variant in disease. Therefore, it has been classified as a Variant of Uncertain Significance.

NM_015915.5(ATL1):c.1637A>G (p.Lys546Arg)

Gene: ATL1 (atlastin GTPase 1; plus strand). Cytogenetic location: 14q22.1.
Variant type: single nucleotide variant.
Coding change: c.1637A>G on transcript NM_015915.5 (MANE Select); coding-DNA position 1637, A replaced by G.
Protein change: p.Lys546Arg; replaces lysine 546 with arginine.
Molecular consequence: missense variant.
Genome position (GRCh38, 1-based): chr14:50,632,299, A>G. VCF-style: chr14-50632299-A-G. GRCh37 (hg19) VCF-style: chr14-51099017-A-G.
Other names: c.1622A>G, p.Lys541Arg (NM_181598.4, NM_001127713.1); short protein forms K546R, K541R.
Identifiers: ClinVar variation 3690587 (VCV003690587.2).